The following is an entry in ClinVar:

ClinVar aggregate classification (germline): Uncertain significance (1 of 4 stars; one submission).

Conditions:
Hereditary pancreatitis (PCTT). Also called: PRSS1-Related Hereditary Pancreatitis; Hereditary chronic pancreatitis. Identifiers: Orphanet 676, MedGen C0238339, MONDO:0008185, OMIM 167800.

Submission:

Labcorp Genetics (formerly Invitae), Labcorp
Classification: Uncertain significance for Hereditary pancreatitis. Last evaluated: 2022-08-16. Review status: criteria provided, single submitter. Criteria: Invitae Variant Classification Sherloc (09022015). Collection method: clinical testing. Allele origin: germline.
Comment: In summary, the available evidence is currently insufficient to determine the role of this variant in disease. Therefore, it has been classified as a Variant of Uncertain Significance. Experimental studies and prediction algorithms are not available or were not evaluated, and the functional significance of this variant is currently unknown. This variant has not been reported in the literature in individuals affected with PRSS1-related conditions. This variant is not present in population databases (gnomAD no frequency). This variant, c.136_138del, results in the deletion of 1 amino acid(s) of the PRSS1 protein (p.His46del), but otherwise preserves the integrity of the reading frame.

NM_002769.5(PRSS1):c.136_138del (p.His46del)

Genes: TRB (T cell receptor beta locus; plus strand), PRSS1 (serine protease 1; plus strand). Cytogenetic location: 7q34.
Variant type: Deletion.
Coding change: c.136_138del on transcript NM_002769.5 (MANE Select); coding-DNA positions 136 to 138, 3 bases deleted (CAC; older notation c.136_138delCAC).
Protein change: p.His46del; deletes histidine 46.
Molecular consequence: inframe deletion. On other transcripts: non-coding transcript variant (4).
Genome position (GRCh38, 1-based): chr7:142,750,650-142,750,652, CAC deleted; deleting any 3 consecutive bases within chr7:142,750,648-142,750,652 gives the same sequence; the c. name uses the placement nearest the transcript's 3' end. VCF-style (leftmost placement, unchanged base first): chr7-142750647-TACC-T. GRCh37 (hg19) VCF-style: chr7-142458498-TACC-T.
Other names: short protein forms H46del.
Identifiers: ClinVar variation 1990822 (VCV001990822.4), dbSNP rs2485733483, ClinGen allele CA2579047789.